The following is an entry in ClinVar:

ClinVar aggregate classification (germline): Uncertain significance (1 of 4 stars; one submission).

Conditions:
Familial thoracic aortic aneurysm and aortic dissection (TAAD). Also called: Thoracic aortic aneurysms and dissections. Identifiers: Orphanet 91387, MedGen C4707243, MONDO:0019625.

Submission:

Ambry Genetics
Classification: Uncertain significance for Familial thoracic aortic aneurysm and aortic dissection. Last evaluated: 2020-03-27. Review status: criteria provided, single submitter. Criteria: Ambry Variant Classification Scheme 2023. Collection method: clinical testing. Allele origin: germline.
Comment: The p.S377A variant (also known as c.1129T>G), located in coding exon 3 of the SKI gene, results from a T to G substitution at nucleotide position 1129. The serine at codon 377 is replaced by alanine, an amino acid with similar properties. This amino acid position is highly conserved in available vertebrate species. In addition, the in silico prediction for this alteration is inconclusive. Since supporting evidence is limited at this time, the clinical significance of this alteration remains unclear.

NM_003036.4(SKI):c.1129T>G (p.Ser377Ala)

Gene: SKI (SKI proto-oncogene; plus strand). Cytogenetic location: 1p36.32.
Variant type: single nucleotide variant.
Coding change: c.1129T>G on transcript NM_003036.4 (MANE Select); coding-DNA position 1129, T replaced by G.
Protein change: p.Ser377Ala; replaces serine 377 with alanine.
Molecular consequence: missense variant.
Genome position (GRCh38, 1-based): chr1:2,303,318, T>G. VCF-style: chr1-2303318-T-G. GRCh37 (hg19) VCF-style: chr1-2234757-T-G.
Other names: short protein forms S377A.
Identifiers: ClinVar variation 1727793 (VCV001727793.2), dbSNP rs2521475112, ClinGen allele CA337954409.
Genomic context (GRCh38, chr1:2,303,318, plus strand): 5'-CTCACACAGACAACTCTTTCTCGACAGAGCCTGGGCTGTGTTCACCCTCGCCAGCGCCTC[T>G]CTGCTTTCCGACCCTGGTCCCCCGCAGTGTCAGCGAGTGAGAAAGAGCTCTCCCCACACC-3'
Protein context (NP_003027.1, residues 367-387): LGCVHPRQRL[Ser377Ala]AFRPWSPAVS